The following is an entry in ClinVar:

ClinVar aggregate classification (germline): Likely benign (1 of 4 stars; one submission).

gnomAD v4.1: 27 of 1,221,772 alleles (0.0022%); highest among the groups gnomAD compares: Admixed American, 0.079%; no homozygotes.

Submission:

CeGaT Center for Human Genetics Tuebingen
Classification: Likely benign. Last evaluated: 2026-05-01. Review status: criteria provided, single submitter. Criteria: CeGaT Center For Human Genetics Tuebingen Variant Classification Criteria Version 2. Collection method: clinical testing. Allele origin: germline. Affected: yes. Observed: 1 variant allele.
Comment: FZD8: BP4, BP7

NM_031866.3(FZD8):c.1110G>A (p.Pro370=)

Gene: FZD8 (frizzled class receptor 8; minus strand). Cytogenetic location: 10p11.21.
Variant type: single nucleotide variant.
Coding change: c.1110G>A on transcript NM_031866.3 (MANE Select); coding-DNA position 1110, G replaced by A.
Protein change: p.Pro370=; no amino-acid change (proline 370 retained).
Molecular consequence: synonymous variant.
Genome position (GRCh38, 1-based): chr10:35,640,320, C>T on the plus strand (G>A on the coding strand, the complement: FZD8 is on the minus strand). VCF-style: chr10-35640320-C-T. GRCh37 (hg19) VCF-style: chr10-35929248-C-T.
Identifiers: ClinVar variation 4872816 (VCV004872816.2).
Genomic context (GRCh38, chr10:35,640,320, plus strand): 5'-GGTCTCGTAGCGCACGTGCTGCTCCACCGCGCCCAGCTCCTCGTACTCGCCGCGCCCGCC[C>T]GGGCCGCCCGCGCCCGCGCCCGCCGCGCCCGCGCCCGCCGCCGCGCCGCCCGCGCCCCCA-3'
Protein context (NP_114072.1, residues 360-380): AGAAGAGAGG[Pro370=]GGRGEYEELG